The following is an entry in ClinVar:

NM_001347721.2(DYRK1A):c.301-2A>G

Gene: DYRK1A (dual specificity tyrosine phosphorylation regulated kinase 1A; plus strand). Cytogenetic location: 21q22.13.
Variant type: single nucleotide variant.
Coding change: c.301-2A>G on transcript NM_001347721.2 (MANE Select); the canonical splice acceptor site of the intron before coding-DNA position 301, A replaced by G.
Molecular consequence: splice acceptor variant.
Genome position (GRCh38, 1-based): chr21:37,480,636, A>G. VCF-style: chr21-37480636-A-G. GRCh37 (hg19) VCF-style: chr21-38852938-A-G.
Other names: c.328-2A>G (NM_001396.5, NM_101395.2, NM_130438.2); c.301-2A>G (NM_001347722.2, NM_130436.2); c.214-2A>G (NM_001347723.2).
Identifiers: ClinVar variation 984756 (VCV000984756.3), dbSNP rs2052604858, ClinGen allele CA409943884.
Genomic context (GRCh38, chr21:37,480,636, plus strand): 5'-GATAATGCCCTTCCTCACAGTGATTTAAATTTTACAGTTAACACTATGTATTCTCATTTC[A>G]GGTTTACTATGCAAAAAAGAAGCGAAGACACCAACAGGGCCAGGGAGACGATTCTAGTCA-3'

ClinVar aggregate classification (germline): Pathogenic (1 of 4 stars; one submission).

Conditions:
Complex neurodevelopmental disorder. Identifiers: Orphanet 528084, MedGen C5568766, MONDO:0100038.

Submission:

GeneDx
Classification: Pathogenic. Last evaluated: 2025-08-27. Review status: criteria provided, single submitter. Criteria: GeneDx Variant Classification Process June 2021. Collection method: clinical testing. Allele origin: germline. Affected: yes.
Comment: Canonical splice site variant predicted to result in an in-frame loss of the adjacent exon in a gene for which loss of function is a known mechanism of disease; Not observed at significant frequency in large population cohorts (gnomAD); This variant is associated with the following publications: (PMID: 35285131)